The following is an entry in ClinVar:

NM_000059.4(BRCA2):c.994dup (p.Ile332fs)

Gene: BRCA2 (BRCA2 DNA repair associated; plus strand). Cytogenetic location: 13q13.1.
Variant type: Duplication.
Coding change: c.994dup on transcript NM_000059.4 (MANE Select); coding-DNA position 994, one base duplicated (A; older notation c.994dupA).
Protein change: p.Ile332fs; shifts the reading frame from isoleucine 332.
Molecular consequence: frameshift variant.
Genome position (GRCh38, 1-based): chr13:32,332,472, A duplicated; the last of 7 consecutive A bases (chr13:32,332,466-32,332,472); duplicating any one gives the same sequence. VCF-style (leftmost placement, unchanged base first): chr13-32332465-G-GA. GRCh37 (hg19) VCF-style: chr13-32906602-G-GA.
Other names: c.994dupA (NM_000059.3); short protein forms I332fs.
Identifiers: ClinVar variation 52925 (VCV000052925.8), dbSNP rs80359777, ClinGen allele CA026342.

ClinVar aggregate classification (germline): Pathogenic. Review status: reviewed by expert panel (3 of 4 stars). 5 submissions from 5 submitters: Pathogenic (1). 4 of the submissions do not count toward it. Last evaluated 2016-09-08.

Conditions:
Hereditary cancer-predisposing syndrome. Also called: Neoplastic Syndromes, Hereditary; Tumor predisposition; Hereditary neoplastic syndrome; Hereditary Cancer Syndrome. Identifiers: Orphanet 140162, MedGen C0027672, MeSH D009386, MONDO:0015356.
Neuroendocrine tumor of pancreas. Also called: Neuroendocrine pancreatic tumor. Identifiers: Orphanet 97253, MedGen C1337011, MONDO:0019954.
Breast-ovarian cancer, familial, susceptibility to, 2 (BROVCA2). Also called: BRCA2 Hereditary Breast and Ovarian Cancer. Identifiers: Orphanet 145, MedGen C2675520, MONDO:0012933, OMIM 612555. Disease mechanism: loss of function.

Submissions (5):

Evidence-based Network for the Interpretation of Germline Mutant Alleles (ENIGMA)
Classification: Pathogenic for Breast-ovarian cancer, familial, susceptibility to, 2. Last evaluated: 2016-09-08. Review status: reviewed by expert panel. Criteria: ENIGMA BRCA1/2 Classification Criteria (2015). Collection method: curation. Allele origin: germline.
Comment: Variant allele predicted to encode a truncated non-functional protein.

Molecular Pathology, Peter Maccallum Cancer Centre
Classification: Pathogenic for Breast-ovarian cancer, familial, susceptibility to, 2. Last evaluated: 2025-05-15. Review status: criteria provided, single submitter. Criteria: ACMG Guidelines, 2015. Collection method: clinical testing. Allele origin: germline. Inheritance: Autosomal dominant inheritance. Not counted in ClinVar's aggregate classification.

Ambry Genetics
Classification: Pathogenic for Hereditary cancer-predisposing syndrome. Last evaluated: 2021-04-30. Review status: criteria provided, single submitter. Criteria: Ambry Variant Classification Scheme 2023. Collection method: clinical testing. Allele origin: germline. Not counted in ClinVar's aggregate classification.
Comment: The c.994dupA pathogenic mutation, located in coding exon 9 of the BRCA2 gene, results from a duplication of A at nucleotide position 994, causing a translational frameshift with a predicted alternate stop codon (p.I332Nfs*4). This alteration was identified in a multiple studies of BRCA1/2 mutation positive families (Lecarpentier J et al. Breast Cancer Res, 2012 Jul;14:R99; Rebbeck TR et al. Hum Mutat, 2018 05;39:593-620). In addition to the clinical data presented in the literature, his alteration is expected to result in loss of function by premature protein truncation or nonsense-mediated mRNA decay. As such, this alteration is interpreted as a disease-causing mutation.

3DMed Clinical Laboratory Inc
Classification: Pathogenic for Neuroendocrine tumor of pancreas. Last evaluated: 2017-11-20. Review status: criteria provided, single submitter. Criteria: ACMG Guidelines, 2015. Collection method: clinical testing. Allele origin: germline. Affected: yes. Not counted in ClinVar's aggregate classification.

Consortium of Investigators of Modifiers of BRCA1/2 (CIMBA), c/o University of Cambridge
Classification: Pathogenic for Breast-ovarian cancer, familial, susceptibility to, 2. Last evaluated: 2015-10-02. Review status: criteria provided, single submitter. Criteria: CIMBA Mutation Classification guidelines May 2016. Collection method: clinical testing. Allele origin: germline. Not counted in ClinVar's aggregate classification.

Literature cited by the submitters: PubMed 22762150 (cited by Ambry Genetics); PubMed 29446198 (cited by Ambry Genetics); PubMed 15145354 (cited by 3DMed Clinical Laboratory Inc).